The following is an entry in ClinVar:

ClinVar aggregate classification (germline): Uncertain significance. Review status: criteria provided, multiple submitters, no conflicts (2 of 4 stars). 2 submissions from 2 submitters: Uncertain significance (2). Last evaluated 2024-09-30.

Conditions:
Hereditary cancer-predisposing syndrome. Also called: Tumor predisposition; Neoplastic Syndromes, Hereditary; Hereditary Cancer Syndrome; Hereditary neoplastic syndrome. Identifiers: Orphanet 140162, MedGen C0027672, MeSH D009386, MONDO:0015356.
Ataxia-telangiectasia syndrome (AT). Also called: Cerebello-oculocutaneous telangiectasia; Immunodeficiency with ataxia telangiectasia; ATAXIA-TELANGIECTASIA, COMPLEMENTATION GROUP A; Ataxia-telangiectasia, complementation group D; AT, COMPLEMENTATION GROUP C; ATAXIA-TELANGIECTASIA, FRESNO VARIANT. Identifiers: Orphanet 100, MedGen C0004135, MONDO:0008840, OMIM 208900.

Allele frequency attached by ClinVar (database versions not stated): gnomAD exomes below 0.00001; TOPMed below 0.00001; gnomAD 0.00001.
gnomAD v4.1: 2 of 1,613,444 alleles (0.00012%); highest among the groups gnomAD compares: Non-Finnish European, 0.00017%; no homozygotes.

Submissions (2):

Labcorp Genetics (formerly Invitae), Labcorp
Classification: Uncertain significance for Ataxia-telangiectasia syndrome. Last evaluated: 2024-09-30. Review status: criteria provided, single submitter. Criteria: Invitae Variant Classification Sherloc (09022015). Collection method: clinical testing. Allele origin: germline.
Comment: This sequence change replaces histidine, which is basic and polar, with glutamine, which is neutral and polar, at codon 1895 of the ATM protein (p.His1895Gln). This variant is present in population databases (no rsID available, gnomAD 0.007%). This variant has not been reported in the literature in individuals affected with ATM-related conditions. ClinVar contains an entry for this variant (Variation ID: 479037). An algorithm developed to predict the effect of missense changes on protein structure and function (PolyPhen-2) suggests that this variant is likely to be tolerated. In summary, the available evidence is currently insufficient to determine the role of this variant in disease. Therefore, it has been classified as a Variant of Uncertain Significance.

Ambry Genetics
Classification: Uncertain significance for Hereditary cancer-predisposing syndrome. Last evaluated: 2016-10-11. Review status: criteria provided, single submitter. Criteria: Ambry Variant Classification Scheme 2023. Collection method: clinical testing. Allele origin: germline.
Comment: The p.H1895Q variant (also known as c.5685C>A), located in coding exon 37 of the ATM gene, results from a C to A substitution at nucleotide position 5685. The histidine at codon 1895 is replaced by glutamine, an amino acid with highly similar properties. This variant was not reported in population based cohorts in the following databases: Database of Single Nucleotide Polymorphisms (dbSNP), NHLBI Exome Sequencing Project (ESP), and 1000 Genomes Project. In the ESP, this variant was not observed in 6499 samples (12998 alleles) with coverage at this position. To date, this alteration has been detected with an allele frequency of approximately 0.001% (greater than 180000 alleles tested) in our clinical cohort. This amino acid position is poorly conserved in available vertebrate species. In addition, this alteration is predicted to be tolerated by in silico analysis. Since supporting evidence is limited at this time, the clinical significance of this alteration remains unclear.

NM_000051.4(ATM):c.5685C>A (p.His1895Gln)

Gene: ATM (ATM serine/threonine kinase; plus strand). Cytogenetic location: 11q22.3.
Variant type: single nucleotide variant.
Coding change: c.5685C>A on transcript NM_000051.4 (MANE Select); coding-DNA position 5685, C replaced by A.
Protein change: p.His1895Gln; replaces histidine 1895 with glutamine.
Molecular consequence: missense variant.
Genome position (GRCh38, 1-based): chr11:108,307,907, C>A. VCF-style: chr11-108307907-C-A. GRCh37 (hg19) VCF-style: chr11-108178634-C-A.
Other names: c.5685C>A, p.His1895Gln (NM_001351834.2); short protein forms H1895Q.
Identifiers: ClinVar variation 479037 (VCV000479037.15), dbSNP rs889445709, ClinGen allele CA228394526.